The following is an entry in ClinVar:

NM_001348800.3(ZBTB20):c.629A>G (p.Asp210Gly)

Gene: ZBTB20 (zinc finger and BTB domain containing 20; minus strand). Cytogenetic location: 3q13.31.
Variant type: single nucleotide variant.
Coding change: c.629A>G on transcript NM_001348800.3 (MANE Select); coding-DNA position 629, A replaced by G.
Protein change: p.Asp210Gly; replaces aspartic acid 210 with glycine.
Molecular consequence: missense variant.
Genome position (GRCh38, 1-based): chr3:114,351,449, T>C on the plus strand (A>G on the coding strand, the complement: ZBTB20 is on the minus strand). VCF-style: chr3-114351449-T-C. GRCh37 (hg19) VCF-style: chr3-114070296-T-C.
Other names: c.629A>G, p.Asp210Gly (NM_001164342.2, NM_001348803.3, NM_001393393.1 and 1 more transcripts); c.410A>G, p.Asp137Gly (NM_001164343.2, NM_001164344.4, NM_001164345.4 and 9 more transcripts); short protein forms D137G, D210G.
Identifiers: ClinVar variation 3372335 (VCV003372335.1).
Genomic context (GRCh38, chr3:114,351,449, plus strand): 5'-CCCGACTCCGTGTCGCTGCTCTGGCCTGACGTGCCTGACTCGGGAGTGCCCCGCGGCGTG[T>C]CCTGGCCCGAGTCCTGGATCCCCGGGAACACATCGCCCACGTTCTGTGACACGATGCGCG-3'
Protein context (NP_001335729.1, residues 200-220): VFPGIQDSGQ[Asp210Gly]TPRGTPESGT

ClinVar aggregate classification (germline): Uncertain significance (1 of 4 stars; one submission).

Submission:

GeneDx
Classification: Uncertain significance. Last evaluated: 2024-04-13. Review status: criteria provided, single submitter. Criteria: GeneDx Variant Classification Process June 2021. Collection method: clinical testing. Allele origin: germline. Affected: yes.
Comment: Not observed at significant frequency in large population cohorts (gnomAD); In silico analysis indicates that this missense variant does not alter protein structure/function; Has not been previously published as pathogenic or benign to our knowledge